The following is an entry in ClinVar:

NM_001195518.2(MICU1):c.62A>G (p.His21Arg)

Gene: MICU1 (mitochondrial calcium uptake 1; minus strand). Cytogenetic location: 10q22.1.
Variant type: single nucleotide variant.
Coding change: c.62A>G on transcript NM_001195518.2 (MANE Select); coding-DNA position 62, A replaced by G.
Protein change: p.His21Arg; replaces histidine 21 with arginine.
Molecular consequence: missense variant.
Genome position (GRCh38, 1-based): chr10:72,566,732, T>C on the plus strand (A>G on the coding strand, the complement: MICU1 is on the minus strand). VCF-style: chr10-72566732-T-C. GRCh37 (hg19) VCF-style: chr10-74326490-T-C.
Other names: c.62A>G, p.His21Arg (NM_001363513.2, NM_006077.4); c.62A>G (NM_006077.3); short protein forms H21R.
Identifiers: ClinVar variation 1469620 (VCV001469620.6), dbSNP rs779404214, ClinGen allele CA5550362.
Genomic context (GRCh38, chr10:72,566,732, plus strand): 5'-GCTCCCAGGAAAGCCACCATCATTAGTCTTCGCCGGATCTGGATGGGCTGTGATCCTCCA[T>C]GGTACCATCGAGAACCCACAGCCAGTTCTGCCAAAGCAGAAAGTGAGTTCAGACGAAACA-3'
Protein context (NP_001182447.1, residues 11-31): AELAVGSRWY[His21Arg]GGSQPIQIRR

ClinVar aggregate classification (germline): Uncertain significance. Review status: criteria provided, multiple submitters, no conflicts (2 of 4 stars). 2 submissions from 2 submitters: Uncertain significance (2). Last evaluated 2025-12-15.

Conditions:
Inborn genetic diseases. Identifiers: MedGen C0950123, MeSH D030342.

gnomAD v4.1: 5 of 1,612,964 alleles (0.00031%); highest among the groups gnomAD compares: Admixed American, 0.0033%; no homozygotes.

Submissions (2):

Ambry Genetics
Classification: Uncertain significance for Inborn genetic diseases. Last evaluated: 2025-12-15. Review status: criteria provided, single submitter. Criteria: Ambry Variant Classification Scheme 2023. Collection method: clinical testing. Allele origin: germline.

Labcorp Genetics (formerly Invitae), Labcorp
Classification: Uncertain significance. Last evaluated: 2021-10-26. Review status: criteria provided, single submitter. Criteria: Invitae Variant Classification Sherloc (09022015). Collection method: clinical testing. Allele origin: germline.
Comment: In summary, the available evidence is currently insufficient to determine the role of this variant in disease. Therefore, it has been classified as a Variant of Uncertain Significance. This sequence change replaces histidine with arginine at codon 21 of the MICU1 protein (p.His21Arg). The histidine residue is moderately conserved and there is a small physicochemical difference between histidine and arginine. This variant is present in population databases (rs779404214, ExAC 0.002%). This variant has not been reported in the literature in individuals affected with MICU1-related conditions. Algorithms developed to predict the effect of missense changes on protein structure and function are either unavailable or do not agree on the potential impact of this missense change (SIFT: "Tolerated"; PolyPhen-2: "Not Available"; Align-GVGD: "Class C0").